The following is an entry in ClinVar:

NM_000092.5(COL4A4):c.1778G>A (p.Gly593Glu)

Gene: COL4A4 (collagen type IV alpha 4 chain; minus strand). Cytogenetic location: 2q36.3.
Variant type: single nucleotide variant.
Coding change: c.1778G>A on transcript NM_000092.5 (MANE Select); coding-DNA position 1778, G replaced by A.
Protein change: p.Gly593Glu; replaces glycine 593 with glutamic acid.
Molecular consequence: missense variant.
Genome position (GRCh38, 1-based): chr2:227,080,468, C>T on the plus strand (G>A on the coding strand, the complement: COL4A4 is on the minus strand). VCF-style: chr2-227080468-C-T. GRCh37 (hg19) VCF-style: chr2-227945184-C-T.
Other names: short protein forms G593E.
Identifiers: ClinVar variation 2040612 (VCV002040612.4), dbSNP rs2474784315, ClinGen allele CA350846940.
Genomic context (GRCh38, chr2:227,080,468, plus strand): 5'-GTGAAATTCTATAGCAAGAGAAGAATTCTACATACTGGAGGTCCTGGATCCCCTTTTTCT[C>T]CAGCATGTCCATCCCGACCATGTGATCCTGGCTGCCCTGGAAATCCTGGGGGCCCATCAG-3'
Protein context (NP_000083.3, residues 583-603): PGSHGRDGHA[Gly593Glu]EKGDPGPPGD

ClinVar aggregate classification (germline): Uncertain significance (1 of 4 stars; one submission).

Submission:

Labcorp Genetics (formerly Invitae), Labcorp
Classification: Uncertain significance. Last evaluated: 2021-12-12. Review status: criteria provided, single submitter. Criteria: Invitae Variant Classification Sherloc (09022015). Collection method: clinical testing. Allele origin: germline.
Comment: In summary, the available evidence is currently insufficient to determine the role of this variant in disease. Therefore, it has been classified as a Variant of Uncertain Significance. Advanced modeling of protein sequence and biophysical properties (such as structural, functional, and spatial information, amino acid conservation, physicochemical variation, residue mobility, and thermodynamic stability) performed at Invitae indicates that this missense variant is expected to disrupt COL4A4 protein function. This variant has not been reported in the literature in individuals affected with COL4A4-related conditions. This variant is not present in population databases (gnomAD no frequency). This sequence change replaces glycine, which is neutral and non-polar, with glutamic acid, which is acidic and polar, at codon 593 of the COL4A4 protein (p.Gly593Glu).